The following is an entry in ClinVar:

NM_003482.4(KMT2D):c.13402C>T (p.Arg4468Trp)

Gene: KMT2D (lysine methyltransferase 2D; minus strand). Cytogenetic location: 12q13.12.
Variant type: single nucleotide variant.
Coding change: c.13402C>T on transcript NM_003482.4 (MANE Select); coding-DNA position 13402, C replaced by T.
Protein change: p.Arg4468Trp; replaces arginine 4468 with tryptophan.
Molecular consequence: missense variant.
Genome position (GRCh38, 1-based): chr12:49,031,303, G>A on the plus strand (C>T on the coding strand, the complement: KMT2D is on the minus strand). VCF-style: chr12-49031303-G-A. GRCh37 (hg19) VCF-style: chr12-49425086-G-A.
Other names: short protein forms R4468W.
Identifiers: ClinVar variation 1302916 (VCV001302916.8), dbSNP rs761717148, ClinGen allele CA6546031.

ClinVar aggregate classification (germline): Conflicting classifications of pathogenicity. Review status: criteria provided, conflicting classifications (1 of 4 stars). 3 submissions from 3 submitters: Uncertain significance (1); Likely benign (1). 1 of the submissions does not count toward it. Last evaluated 2025-07-06.

Conditions:
Kabuki syndrome. Also called: NIIKAWA-KUROKI SYNDROME; Kabuki make-up syndrome. Identifiers: Orphanet 2322, MedGen C0796004, MONDO:0016512.
KMT2D-related disorder. Also called: KMT2D-Related Disorders.

Allele frequency attached by ClinVar (database versions not stated): TOPMed 0.00002.
gnomAD v4.1: 13 of 1,613,508 alleles (0.00081%); highest among the groups gnomAD compares: East Asian, 0.0045%; no homozygotes.

Submissions (3):

Labcorp Genetics (formerly Invitae), Labcorp
Classification: Likely benign for Kabuki syndrome. Last evaluated: 2025-07-06. Review status: criteria provided, single submitter. Criteria: Invitae Variant Classification Sherloc (09022015). Collection method: clinical testing. Allele origin: germline.

GeneDx
Classification: Uncertain significance. Last evaluated: 2020-05-20. Review status: criteria provided, single submitter. Criteria: GeneDx Variant Classification Process June 2021. Collection method: clinical testing. Allele origin: germline. Affected: yes.
Comment: In silico analysis supports that this missense variant has a deleterious effect on protein structure/function; Has not been previously published as pathogenic or benign to our knowledge

PreventionGenetics, part of Exact Sciences
Classification: Uncertain significance for KMT2D-related condition. Last evaluated: 2023-10-24. Review status: no assertion criteria provided. Collection method: clinical testing. Allele origin: germline. Not counted in ClinVar's aggregate classification.
Comment: The KMT2D c.13402C>T variant is predicted to result in the amino acid substitution p.Arg4468Trp. To our knowledge, this variant has not been reported in the literature. This variant is reported in 0.0065% of alleles in individuals of South Asian descent in gnomAD. At this time, the clinical significance of this variant is uncertain due to the absence of conclusive functional and genetic evidence.